The following is an entry in ClinVar:

NM_021252.5(RAB18):c.66C>G (p.Ser22=)

Genes: RAB18 (RAB18, member RAS oncogene family; plus strand), LOC130003565 (ATAC-STARR-seq lymphoblastoid active region 3188; plus strand). Cytogenetic location: 10p12.1.
Variant type: single nucleotide variant.
Coding change: c.66C>G on transcript NM_021252.5 (MANE Select); coding-DNA position 66, C replaced by G.
Protein change: p.Ser22=; no amino-acid change (serine 22 retained).
Molecular consequence: synonymous variant. On other transcripts: non-coding transcript variant (1).
Genome position (GRCh38, 1-based): chr10:27,504,435, C>G. VCF-style: chr10-27504435-C-G. GRCh37 (hg19) VCF-style: chr10-27793364-C-G.
Other names: c.66C>G, p.Ser22= (NM_001256410.2, NM_001256411.2, NM_001256412.2).
Identifiers: ClinVar variation 4534654 (VCV004534654.6).
Genomic context (GRCh38, chr10:27,504,435, plus strand): 5'-CGAGGACGTGCTAACCACCCTGAAGATCCTCATCATCGGCGAGAGTGGGGTGGGCAAGTC[C>G]AGGTGAGGCGGAGGTGCGGGTCGTGACGAGGGTGGCTGGGCTCTTTCTGCCCCGGTGGCT-3'
Protein context (NP_067075.1, residues 12-32): LIIGESGVGK[Ser22=]SLLLRFTDDT

ClinVar aggregate classification (germline): Likely benign (1 of 4 stars; one submission).

gnomAD v4.1: 10 of 1,564,364 alleles (0.00064%); highest among the groups gnomAD compares: Non-Finnish European, 0.00078%; no homozygotes.

Submission:

CeGaT Center for Human Genetics Tuebingen
Classification: Likely benign. Last evaluated: 2025-10-01. Review status: criteria provided, single submitter. Criteria: CeGaT Center For Human Genetics Tuebingen Variant Classification Criteria Version 2. Collection method: clinical testing. Allele origin: germline. Affected: yes. Observed: 1 variant allele.
Comment: RAB18: BP4, BP7